The following is an entry in ClinVar:

NM_024529.5(CDC73):c.693G>A (p.Trp231Ter)

Gene: CDC73 (cell division cycle 73; plus strand). Cytogenetic location: 1q31.2.
Variant type: single nucleotide variant.
Coding change: c.693G>A on transcript NM_024529.5 (MANE Select); coding-DNA position 693, G replaced by A.
Protein change: p.Trp231Ter; replaces tryptophan 231 with a stop codon.
Molecular consequence: nonsense.
Genome position (GRCh38, 1-based): chr1:193,142,030, G>A. VCF-style: chr1-193142030-G-A. GRCh37 (hg19) VCF-style: chr1-193111160-G-A.
Other names: short protein forms W231*.
Identifiers: ClinVar variation 3998670 (VCV003998670.1).

ClinVar aggregate classification (germline): Pathogenic (1 of 4 stars; one submission).

Conditions:
Hereditary cancer-predisposing syndrome. Also called: Tumor predisposition; Hereditary neoplastic syndrome; Neoplastic Syndromes, Hereditary; Hereditary Cancer Syndrome. Identifiers: Orphanet 140162, MedGen C0027672, MeSH D009386, MONDO:0015356.

Submission:

Ambry Genetics
Classification: Pathogenic for Hereditary cancer-predisposing syndrome. Last evaluated: 2025-05-07. Review status: criteria provided, single submitter. Criteria: Ambry Variant Classification Scheme 2023. Collection method: clinical testing. Allele origin: germline.
Comment: The p.W231* pathogenic mutation (also known as c.693G>A), located in coding exon 7 of the CDC73 gene, results from a G to A substitution at nucleotide position 693. This changes the amino acid from a tryptophan to a stop codon within coding exon 7. This variant was reported in individual(s) with features consistent with CDC73-related disorders (Ambry internal data). This variant is considered to be rare based on population cohorts in the Genome Aggregation Database (gnomAD). This alteration is expected to result in loss of function by premature protein truncation or nonsense-mediated mRNA decay. As such, this alteration is interpreted as a disease-causing mutation.